The following is an entry in ClinVar:

NM_205768.3(ZBTB18):c.753_754del (p.Ser252fs)

Gene: ZBTB18 (zinc finger and BTB domain containing 18; plus strand). Cytogenetic location: 1q44.
Variant type: Deletion.
Coding change: c.753_754del on transcript NM_205768.3 (MANE Select); coding-DNA positions 753 to 754, 2 bases deleted (GT; older notation c.753_754delGT).
Protein change: p.Ser252fs; shifts the reading frame from serine 252.
Molecular consequence: frameshift variant.
Genome position (GRCh38, 1-based): chr1:244,054,527-244,054,528, GT deleted; deleting any 2 consecutive bases within chr1:244,054,526-244,054,528 gives the same sequence; the c. name uses the placement nearest the transcript's 3' end. VCF-style (leftmost placement, unchanged base first): chr1-244054525-CTG-C. GRCh37 (hg19) VCF-style: chr1-244217827-CTG-C.
Other names: c.726_727del, p.Ser243fs (NM_001278196.2); c.726_727delGT, p.Ser243Cysfs (NM_006352.5); short protein forms S243fs, S252fs.
Identifiers: ClinVar variation 992626 (VCV000992626.1), dbSNP rs1698415634, ClinGen allele CA1139656732.
Genomic context (GRCh38, chr1:244,054,525, plus strand): 5'-TTGTCCCAGAGGTCTGTCACCTCCGTGAGGGATTCGGCAGATGTTGACTGTGTGCTGGAC[CTG>C]TCTGTCAAGTCCAGCCTTTCAGGAGTTGAAAATCTGAACAGCTCTTATTTCTCTTCACAG-3'

ClinVar aggregate classification (germline): Pathogenic (1 of 4 stars; one submission).

Conditions:
Intellectual developmental disorder, autosomal dominant 22. Also called: Intellectual disability, autosomal dominant 22. Identifiers: MedGen CN029689, MONDO:0012869, OMIM 612337.

Submission:

MVZ Martinsried, Medicover Genetics
Classification: Pathogenic for Intellectual developmental disorder, autosomal dominant 22. Last evaluated: 2020-10-29. Review status: criteria provided, single submitter. Criteria: ACGS Guidelines, 2020. Collection method: clinical testing. Allele origin: maternal. Affected: yes.